The following is an entry in ClinVar:

ClinVar aggregate classification (germline): Uncertain significance (1 of 4 stars; one submission).

Allele frequency attached by ClinVar (database versions not stated): gnomAD exomes below 0.00001 and 0.00001; gnomAD 0.00003; TOPMed 0.00005; ESP Exome Variant Server 0.00022.
gnomAD v4.1: 6 of 1,549,710 alleles (0.00039%); highest among the groups gnomAD compares: African/African-American, 0.0082%; no homozygotes.

Submission:

Labcorp Genetics (formerly Invitae), Labcorp
Classification: Uncertain significance. Last evaluated: 2024-02-23. Review status: criteria provided, single submitter. Criteria: Invitae Variant Classification Sherloc (09022015). Collection method: clinical testing. Allele origin: germline.
Comment: This sequence change replaces alanine, which is neutral and non-polar, with threonine, which is neutral and polar, at codon 984 of the UNC80 protein (p.Ala984Thr). This variant is present in population databases (rs377490108, gnomAD 0.01%). This variant has not been reported in the literature in individuals affected with UNC80-related conditions. ClinVar contains an entry for this variant (Variation ID: 1498807). An algorithm developed to predict the effect of missense changes on protein structure and function (PolyPhen-2) suggests that this variant¬†is likely to be tolerated. In summary, the available evidence is currently insufficient to determine the role of this variant in disease. Therefore, it has been classified as a Variant of Uncertain Significance.

NM_001371986.1(UNC80):c.2950G>A (p.Ala984Thr)

Gene: UNC80 (unc-80 homolog, NALCN channel complex subunit; plus strand). Cytogenetic location: 2q34.
Variant type: single nucleotide variant.
Coding change: c.2950G>A on transcript NM_001371986.1 (MANE Select); coding-DNA position 2950, G replaced by A.
Protein change: p.Ala984Thr; replaces alanine 984 with threonine.
Molecular consequence: missense variant.
Genome position (GRCh38, 1-based): chr2:209,834,919, G>A. VCF-style: chr2-209834919-G-A. GRCh37 (hg19) VCF-style: chr2-210699643-G-A.
Other names: c.2950G>A, p.Ala984Thr (NM_032504.2); c.2935G>A, p.Ala979Thr (NM_182587.4); short protein forms A979T, A984T.
Identifiers: ClinVar variation 1498807 (VCV001498807.7), dbSNP rs377490108, ClinGen allele CA64681285.